The following is an entry in ClinVar:

NM_017654.4(SAMD9):c.4346A>G (p.His1449Arg)

Gene: SAMD9 (sterile alpha motif domain containing 9; minus strand). Cytogenetic location: 7q21.2.
Variant type: single nucleotide variant.
Coding change: c.4346A>G on transcript NM_017654.4 (MANE Select); coding-DNA position 4346, A replaced by G.
Protein change: p.His1449Arg; replaces histidine 1449 with arginine.
Molecular consequence: missense variant.
Genome position (GRCh38, 1-based): chr7:93,101,752, T>C on the plus strand (A>G on the coding strand, the complement: SAMD9 is on the minus strand). VCF-style: chr7-93101752-T-C. GRCh37 (hg19) VCF-style: chr7-92731065-T-C.
Other names: c.4346A>G, p.His1449Arg (NM_001193307.2); short protein forms H1449R.
Identifiers: ClinVar variation 3792010 (VCV003792010.1).

ClinVar aggregate classification (germline): Uncertain significance (1 of 4 stars; one submission).

Conditions:
Inborn genetic diseases. Identifiers: MedGen C0950123, MeSH D030342.

gnomAD v4.1: 11 of 1,613,876 alleles (0.00068%); highest among the groups gnomAD compares: East Asian, 0.025%; no homozygotes.

Submission:

Ambry Genetics
Classification: Uncertain significance for Inborn genetic diseases. Last evaluated: 2025-01-19. Review status: criteria provided, single submitter. Criteria: Ambry Variant Classification Scheme 2023. Collection method: clinical testing. Allele origin: germline.
Comment: The p.H1449R variant (also known as c.4346A>G), located in coding exon 1 of the SAMD9 gene, results from an A to G substitution at nucleotide position 4346. The histidine at codon 1449 is replaced by arginine, an amino acid with highly similar properties. This amino acid position is conserved. In addition, this alteration is predicted to be tolerated by in silico analysis. Based on the available evidence, the clinical significance of this variant remains unclear.